The following is an entry in ClinVar:

ClinVar aggregate classification (germline): Uncertain significance (1 of 4 stars; one submission).

Allele frequency attached by ClinVar (database versions not stated): gnomAD 0.00004; ESP Exome Variant Server 0.00008.
gnomAD v4.1: 51 of 1,613,480 alleles (0.0032%); highest among the groups gnomAD compares: African/African-American, 0.0053%; no homozygotes.

Submission:

Labcorp Genetics (formerly Invitae), Labcorp
Classification: Uncertain significance. Last evaluated: 2023-11-27. Review status: criteria provided, single submitter. Criteria: Invitae Variant Classification Sherloc (09022015). Collection method: clinical testing. Allele origin: germline.
Comment: This sequence change replaces arginine, which is basic and polar, with glutamine, which is neutral and polar, at codon 798 of the ADAMTSL4 protein (p.Arg798Gln). This variant is present in population databases (rs373621869, gnomAD 0.008%). This variant has not been reported in the literature in individuals affected with ADAMTSL4-related conditions. ClinVar contains an entry for this variant (Variation ID: 2148839). Advanced modeling of protein sequence and biophysical properties (such as structural, functional, and spatial information, amino acid conservation, physicochemical variation, residue mobility, and thermodynamic stability) performed at Invitae indicates that this missense variant is not expected to disrupt ADAMTSL4 protein function with a negative predictive value of 80%. In summary, the available evidence is currently insufficient to determine the role of this variant in disease. Therefore, it has been classified as a Variant of Uncertain Significance.

NM_019032.6(ADAMTSL4):c.2393G>A (p.Arg798Gln)

Gene: ADAMTSL4 (ADAMTS like 4; plus strand). Cytogenetic location: 1q21.2.
Variant type: single nucleotide variant.
Coding change: c.2393G>A on transcript NM_019032.6 (MANE Select); coding-DNA position 2393, G replaced by A.
Protein change: p.Arg798Gln; replaces arginine 798 with glutamine.
Molecular consequence: missense variant.
Genome position (GRCh38, 1-based): chr1:150,558,483, G>A. VCF-style: chr1-150558483-G-A. GRCh37 (hg19) VCF-style: chr1-150530959-G-A.
Other names: c.2276G>A, p.Arg759Gln (NM_001288607.2); c.2462G>A, p.Arg821Gln (NM_001288608.2); c.2393G>A, p.Arg798Gln (NM_001378596.1, NM_025008.5); short protein forms R798Q, R759Q, R821Q.
Identifiers: ClinVar variation 2148839 (VCV002148839.2), dbSNP rs373621869, ClinGen allele CA1078660.